The following is an entry in ClinVar:

ClinVar aggregate classification (germline): Uncertain significance. Review status: criteria provided, multiple submitters, no conflicts (2 of 4 stars). 2 submissions from 2 submitters: Uncertain significance (2). Last evaluated 2026-09-02.

Conditions:
Inborn genetic diseases. Identifiers: MedGen C0950123, MeSH D030342.
Familial focal epilepsy with variable foci (FPEVF). Identifiers: Orphanet 98820, MedGen C1858477, MONDO:0020310.

Allele frequency attached by ClinVar (database versions not stated): gnomAD exomes below 0.00001; TOPMed below 0.00001.
gnomAD v4.1: 1 of 1,608,082 alleles (0.000062%); highest among the groups gnomAD compares: Non-Finnish European, 0.000085%; no homozygotes.

Submissions (2):

Ambry Genetics
Classification: Uncertain significance for Inborn genetic diseases. Last evaluated: 2026-09-02. Review status: criteria provided, single submitter. Criteria: Ambry Variant Classification Scheme 2023. Collection method: clinical testing. Allele origin: germline.

Labcorp Genetics (formerly Invitae), Labcorp
Classification: Uncertain significance for Familial focal epilepsy with variable foci. Last evaluated: 2024-09-12. Review status: criteria provided, single submitter. Criteria: Invitae Variant Classification Sherloc (09022015). Collection method: clinical testing. Allele origin: germline.
Comment: This sequence change replaces glutamine, which is neutral and polar, with arginine, which is basic and polar, at codon 1197 of the DEPDC5 protein (p.Gln1197Arg). This variant is not present in population databases (gnomAD no frequency). This variant has not been reported in the literature in individuals affected with DEPDC5-related conditions. Experimental studies and prediction algorithms are not available or were not evaluated, and the functional significance of this variant is currently unknown. In summary, the available evidence is currently insufficient to determine the role of this variant in disease. Therefore, it has been classified as a Variant of Uncertain Significance.

NM_001242896.3(DEPDC5):c.3590A>G (p.Gln1197Arg)

Gene: DEPDC5 (DEP domain containing 5, GATOR1 subcomplex subunit; plus strand). Cytogenetic location: 22q12.3.
Variant type: single nucleotide variant.
Coding change: c.3590A>G on transcript NM_001242896.3 (MANE Select); coding-DNA position 3590, A replaced by G.
Protein change: p.Gln1197Arg; replaces glutamine 1197 with arginine.
Molecular consequence: missense variant. On other transcripts: non-coding transcript variant (4).
Genome position (GRCh38, 1-based): chr22:31,874,299, A>G. VCF-style: chr22-31874299-A-G. GRCh37 (hg19) VCF-style: chr22-32270285-A-G.
Other names: c.3590A>G (NM_001242896.1); c.3563A>G, p.Gln1188Arg (NM_001136029.4); c.3290A>G, p.Gln1097Arg (NM_001242897.2); c.3524A>G, p.Gln1175Arg (NM_001363852.2, NM_001364320.2); c.3356A>G, p.Gln1119Arg (NM_001363854.2, NM_001364319.2); c.3590A>G, p.Gln1197Arg (NM_001364318.2); c.3506A>G, p.Gln1169Arg (NM_001369901.1, NM_001369902.1); c.3497A>G, p.Gln1166Arg (NM_001369903.1, NM_014662.6); short protein forms Q1188R, Q1197R, Q1097R, Q1166R, Q1175R, Q1119R, Q1169R.
Identifiers: ClinVar variation 2714681 (VCV002714681.4), dbSNP rs1377540601, ClinGen allele CA411277698.
Genomic context (GRCh38, chr22:31,874,299, plus strand): 5'-TCCCCTGCTCCCCGTTCACCGTGTTGGAACCCAGGACAGGAGTCCAGCTGCTCTCTGAAC[A>G]GAAGGGCCTCTCACCGTACTGCTTCATCAGCGCGGAGGTGGTACACTGGTTGGTGAACCA-3'
Protein context (NP_001229825.1, residues 1187-1207): PSTGVQLLSE[Gln1197Arg]KGLSPYCFIS